The following is an entry in ClinVar:

NM_002299.4(LCT):c.3936G>A (p.Gly1312=)

Gene: LCT (lactase; minus strand). Cytogenetic location: 2q21.3.
Variant type: single nucleotide variant.
Coding change: c.3936G>A on transcript NM_002299.4 (MANE Select); coding-DNA position 3936, G replaced by A.
Protein change: p.Gly1312=; no amino-acid change (glycine 1312 retained).
Molecular consequence: synonymous variant.
Genome position (GRCh38, 1-based): chr2:135,807,365, C>T on the plus strand (G>A on the coding strand, the complement: LCT is on the minus strand). VCF-style: chr2-135807365-C-T. GRCh37 (hg19) VCF-style: chr2-136564935-C-T.
Other names: c.3936G>A (NM_002299.3).
Identifiers: ClinVar variation 2906917 (VCV002906917.5), dbSNP rs747030540, ClinGen allele CA1887944.

ClinVar aggregate classification (germline): Likely benign. Review status: criteria provided, single submitter (1 of 4 stars). 2 submissions from 2 submitters: Likely benign (1). 1 of the submissions does not count toward it. Last evaluated 2023-03-26.

Conditions:
LCT-related disorder. Also called: LCT-related condition.

Allele frequency attached by ClinVar (database versions not stated): gnomAD 0.00003; ExAC 0.00004; TOPMed 0.00004.
gnomAD v4.1: 11 of 1,614,032 alleles (0.00068%); highest among the groups gnomAD compares: African/African-American, 0.012%; no homozygotes.

Submissions (2):

Labcorp Genetics (formerly Invitae), Labcorp
Classification: Likely benign. Last evaluated: 2023-03-26. Review status: criteria provided, single submitter. Criteria: Invitae Variant Classification Sherloc (09022015). Collection method: clinical testing. Allele origin: germline.

PreventionGenetics, part of Exact Sciences
Classification: Likely benign for LCT-related condition. Last evaluated: 2024-02-25. Review status: no assertion criteria provided. Collection method: clinical testing. Allele origin: germline. Not counted in ClinVar's aggregate classification.
Comment: This variant is classified as likely benign based on ACMG/AMP sequence variant interpretation guidelines (Richards et al. 2015 PMID: 25741868, with internal and published modifications).